The following is an entry in ClinVar:

ClinVar aggregate classification (germline): Uncertain significance (1 of 4 stars; one submission).

Conditions:
Idiopathic Pulmonary Fibrosis. Also called: Idiopathic fibrosing alveolitis, chronic form; idiopathic fibrosing alveolitis. Identifiers: Orphanet 2032, MedGen C1800706, MeSH D054990, MONDO:0800504.
Dyskeratosis congenita, autosomal dominant 2. Identifiers: MedGen C3151443, MONDO:0013521, OMIM 613989.

Submission:

Labcorp Genetics (formerly Invitae), Labcorp
Classification: Uncertain significance for Dyskeratosis congenita, autosomal dominant 2; Idiopathic Pulmonary Fibrosis. Last evaluated: 2022-09-13. Review status: criteria provided, single submitter. Criteria: Invitae Variant Classification Sherloc (09022015). Collection method: clinical testing. Allele origin: germline.
Comment: This sequence change replaces proline, which is neutral and non-polar, with leucine, which is neutral and non-polar, at codon 217 of the TERT protein (p.Pro217Leu). This variant is not present in population databases (gnomAD no frequency). This variant has not been reported in the literature in individuals affected with TERT-related conditions. Algorithms developed to predict the effect of missense changes on protein structure and function output the following: SIFT: "Tolerated"; PolyPhen-2: "Benign"; Align-GVGD: "Class C0". The leucine amino acid residue is found in multiple mammalian species, which suggests that this missense change does not adversely affect protein function. In summary, the available evidence is currently insufficient to determine the role of this variant in disease. Therefore, it has been classified as a Variant of Uncertain Significance.

NM_198253.3(TERT):c.650C>T (p.Pro217Leu)

Gene: TERT (telomerase reverse transcriptase; minus strand). Cytogenetic location: 5p15.33.
Variant type: single nucleotide variant.
Coding change: c.650C>T on transcript NM_198253.3 (MANE Select); coding-DNA position 650, C replaced by T.
Protein change: p.Pro217Leu; replaces proline 217 with leucine.
Molecular consequence: missense variant. On other transcripts: non-coding transcript variant (2).
Genome position (GRCh38, 1-based): chr5:1,294,236, G>A on the plus strand (C>T on the coding strand, the complement: TERT is on the minus strand). VCF-style: chr5-1294236-G-A. GRCh37 (hg19) VCF-style: chr5-1294351-G-A.
Other names: c.650C>T, p.Pro217Leu (NM_001193376.3, NM_003219.1); short protein forms P217L.
Identifiers: ClinVar variation 1719302 (VCV001719302.6), dbSNP rs2478422684, ClinGen allele CA359057101.